The following is an entry in ClinVar:

ClinVar aggregate classification (germline): Likely pathogenic. Review status: reviewed by expert panel (3 of 4 stars). 3 submissions from 3 submitters: Likely pathogenic (1). 2 of the submissions do not count toward it. Last evaluated 2026-04-29.

Conditions:
Inborn genetic diseases. Identifiers: MedGen C0950123, MeSH D030342.
Hereditary thrombocytopenia and hematologic cancer predisposition syndrome. Identifiers: Orphanet 71290, MedGen CN281654, MONDO:0011071.

Submissions (3):

ClinGen Myeloid Malignancy Variant Curation Expert Panel
Classification: Likely pathogenic for Hereditary thrombocytopenia and hematologic cancer predisposition syndrome. Last evaluated: 2026-04-29. Review status: reviewed by expert panel. Criteria: ClinGen MyeloMalig ACMG Specifications V3.1. Collection method: curation. Allele origin: germline. Inheritance: Autosomal dominant inheritance.
Comment: NM_001754.5(RUNX1):c.508G>C (p.Gly170Arg) is a missense variant which affects one of the hotspot residues (G170) in the RHD (PM1_strong). This variant has a REVEL score > 0.88 (0.947) (PP3) and is completely absent from all population databases with at least 20x coverage for RUNX1 (PM2_supporting). In summary, this variant meets criteria to be classified as likely pathogenic. ACMG/AMP criteria applied, as specified by the Myeloid Malignancy Variant Curation Expert Panel for RUNX1: PM1_strong, PP3, PM2_supporting.

Ambry Genetics
Classification: Likely pathogenic for Inborn genetic diseases. Last evaluated: 2025-05-29. Review status: criteria provided, single submitter. Criteria: Ambry Variant Classification Scheme 2023. Collection method: clinical testing. Allele origin: germline. Not counted in ClinVar's aggregate classification.
Comment: The p.G170R variant (also known as p.c.508G>C), located in coding exon 4 of the RUNX1 gene, results from a G to C substitution at nucleotide position 508. The amino acid change results in glycine to arginine at codon 170, an amino acid with dissimilar properties. However, this change occurs in the last base pair of coding exon 4, which makes it likely to have some effect on normal mRNA splicing. In silico splice site analysis predicts that this alteration will weaken the native splice donor site and will result in the creation or strengthening of a novel splice donor site. RNA-seq revealed that this variant affects the adjacent splice donor site at the end of exon 5, resulting in the use of a cryptic splice donor site (Yu K et al. Blood Adv, 2024 Jan;8:497-511). This variant was reported in individual(s) with features consistent with RUNX1 familial platelet disorder with associated myeloid malignancies and segregated with disease in at least one family (Buijs A et al. Leukemia, 2012 Sep;26:2151-4; Cunningham L et al. Blood, 2023 Dec;142:2146-2158; Yu K et al. Blood Adv, 2024 Jan;8:497-511; Ambry internal data). This variant is considered to be rare based on population cohorts in the Genome Aggregation Database (gnomAD). This nucleotide position is highly conserved in available vertebrate species. This amino acid position is highly conserved in available vertebrate species. In addition, as a missense substitution this alteration is predicted to be deleterious by in silico analysis. Based on the majority of available evidence to date, this variant is likely to be pathogenic.

Genetic Services Laboratory, University of Chicago
Classification: Likely pathogenic. Last evaluated: 2019-07-01. Review status: criteria provided, single submitter. Criteria: ACMG Guidelines, 2015. Collection method: clinical testing. Allele origin: germline. Affected: yes. Not counted in ClinVar's aggregate classification.
Comment: DNA sequence analysis of the RUNX1 gene demonstrated a sequence change, c.508G>C, in exon 5 that results in an amino acid change, p.Gly170Arg. This sequence change does not appear to have been previously described in patients with RUNX1-related disorders; however, a different likely pathogenic sequence change leading to the same amino acid change, c.508G>A (p.Gly170Arg) has been identified in two affected individuals from a family with familial platelet disorder and AML (Bujis et al., 2012). The c.508G>C sequence change is absent from large population databases such as ExAC and gnomAD. The p.Gly170Arg change affects a highly conserved amino acid residue located in the RUNT functional domain of the RUNX1 protein, which is a region of the RUNX1 gene where other pathogenic variants have been identified (Michaud et al, 2002). The p.Gly170Arg substitution appears to be deleterious using several in-silico pathogenicity prediction tools (SIFT, PolyPhen2, Align GVGD, REVEL). This sequence change is likely pathogenic, however functional studies have not been performed to prove this conclusively.

Literature cited by the submitters: PubMed 22430633 (cited by Ambry Genetics); PubMed 37738626 (cited by Ambry Genetics); PubMed 38019014 (cited by Ambry Genetics).

NM_001754.5(RUNX1):c.508G>C (p.Gly170Arg)

Genes: RUNX1 (RUNX family transcription factor 1; minus strand), RUNX1-AS1 (RUNX1 antisense RNA 1; plus strand). Cytogenetic location: 21q22.12.
Variant type: single nucleotide variant.
Coding change: c.508G>C on transcript NM_001754.5 (MANE Select); coding-DNA position 508, G replaced by C.
Protein change: p.Gly170Arg; replaces glycine 170 with arginine.
Molecular consequence: missense variant.
Genome position (GRCh38, 1-based): chr21:34,880,557, C>G on the plus strand (G>C on the coding strand, the complement: RUNX1 is on the minus strand). VCF-style: chr21-34880557-C-G. GRCh37 (hg19) VCF-style: chr21-36252854-C-G.
Other names: NM_001754.5(RUNX1):c.508G>C; p.Gly170Arg; c.427G>C, p.Gly143Arg (NM_001001890.3, NM_001122607.2); short protein forms G143R, G170R.
Identifiers: ClinVar variation 1338528 (VCV001338528.8), dbSNP rs2146360175, ClinGen allele CA410202466.